The following is an entry in ClinVar:

NM_001163435.3(TBCK):c.1546G>A (p.Asp516Asn)

Gene: TBCK (TBC1 domain containing kinase; minus strand). Cytogenetic location: 4q24.
Variant type: single nucleotide variant.
Coding change: c.1546G>A on transcript NM_001163435.3 (MANE Select); coding-DNA position 1546, G replaced by A.
Protein change: p.Asp516Asn; replaces aspartic acid 516 with asparagine.
Molecular consequence: missense variant.
Genome position (GRCh38, 1-based): chr4:106,233,031, C>T on the plus strand (G>A on the coding strand, the complement: TBCK is on the minus strand). VCF-style: chr4-106233031-C-T. GRCh37 (hg19) VCF-style: chr4-107154188-C-T.
Other names: c.1546G>A, p.Asp516Asn (NM_001163436.4); c.1429G>A, p.Asp477Asn (NM_001163437.3); c.1030G>A, p.Asp344Asn (NM_001290768.2); c.1357G>A, p.Asp453Asn (NM_033115.5); short protein forms D477N, D344N, D453N, D516N.
Identifiers: ClinVar variation 1486047 (VCV001486047.5), dbSNP rs114713238, ClinGen allele CA3035023.
Genomic context (GRCh38, chr4:106,233,031, plus strand): 5'-CCCAGGCTTTTAATACACGCCTAAATTTTGCATGACCTTCTGGTGATGATAACAGTTCAT[C>T]GTACTGATGACAGCGAGGAATATCCACTTCAATCTGTTAAAATAGCAAAATAATAAGGTG-3'
Protein context (NP_001156907.2, residues 506-526): EVDIPRCHQY[Asp516Asn]ELLSSPEGHA

ClinVar aggregate classification (germline): Uncertain significance (1 of 4 stars; one submission).

Allele frequency attached by ClinVar (database versions not stated): gnomAD exomes below 0.00001; TOPMed below 0.00001; ExAC 0.00001; gnomAD 0.00001; 1000 Genomes Project 30x 0.00016; 1000 Genomes Project 0.00020.

Submission:

Labcorp Genetics (formerly Invitae), Labcorp
Classification: Uncertain significance. Last evaluated: 2022-08-16. Review status: criteria provided, single submitter. Criteria: Invitae Variant Classification Sherloc (09022015). Collection method: clinical testing. Allele origin: germline.
Comment: This sequence change replaces aspartic acid, which is acidic and polar, with asparagine, which is neutral and polar, at codon 516 of the TBCK protein (p.Asp516Asn). This variant is not present in population databases (gnomAD no frequency). This variant has not been reported in the literature in individuals affected with TBCK-related conditions. ClinVar contains an entry for this variant (Variation ID: 1486047). Algorithms developed to predict the effect of missense changes on protein structure and function are either unavailable or do not agree on the potential impact of this missense change (SIFT: "Deleterious"; PolyPhen-2: "Benign"; Align-GVGD: "Class C0"). In summary, the available evidence is currently insufficient to determine the role of this variant in disease. Therefore, it has been classified as a Variant of Uncertain Significance.